The following is an entry in ClinVar:

NM_001374828.1(ARID1B):c.603G>A (p.Gln201=)

Genes: ARID1B (AT-rich interaction domain 1B; plus strand), LOC115308161 (uncharacterized LOC115308161; minus strand). Cytogenetic location: 6q25.3.
Variant type: single nucleotide variant.
Coding change: c.603G>A on transcript NM_001374828.1 (MANE Select); coding-DNA position 603, G replaced by A.
Protein change: p.Gln201=; no amino-acid change (glutamine 201 retained).
Molecular consequence: synonymous variant. On other transcripts: non-coding transcript variant (1).
Genome position (GRCh38, 1-based): chr6:156,778,283, G>A. VCF-style: chr6-156778283-G-A. GRCh37 (hg19) VCF-style: chr6-157099417-G-A.
Other names: c.354G>A, p.Gln118= (NM_001346813.1, NM_020732.3); c.603G>A, p.Gln201= (NM_001371656.1, NM_001374820.1, NM_017519.3); c.180G>A, p.Gln60= (NM_175863.2).
Identifiers: ClinVar variation 2148832 (VCV002148832.22), dbSNP rs544767610, ClinGen allele CA150802715.

ClinVar aggregate classification (germline): Likely benign. Review status: criteria provided, multiple submitters, no conflicts (2 of 4 stars). 2 submissions from 2 submitters: Likely benign (2). Last evaluated 2026-07-01.

Allele frequency attached by ClinVar (database versions not stated): gnomAD exomes 0.00001; gnomAD 0.00002; 1000 Genomes Project 0.00120.
gnomAD v4.1: 17 of 1,540,890 alleles (0.0011%); highest among the groups gnomAD compares: East Asian, 0.032%; no homozygotes.

Submissions (2):

CeGaT Center for Human Genetics Tuebingen
Classification: Likely benign. Last evaluated: 2026-07-01. Review status: criteria provided, single submitter. Criteria: CeGaT Center For Human Genetics Tuebingen Variant Classification Criteria Version 2. Collection method: clinical testing. Allele origin: germline. Affected: yes. Observed: 4 variant alleles.
Comment: ARID1B: BP4, BP7

Labcorp Genetics (formerly Invitae), Labcorp
Classification: Likely benign. Last evaluated: 2025-09-08. Review status: criteria provided, single submitter. Criteria: Invitae Variant Classification Sherloc (09022015). Collection method: clinical testing. Allele origin: germline.